The following is an entry in ClinVar:

NM_001005498.4(RHBDF2):c.921-15C>T

Gene: RHBDF2 (rhomboid 5 homolog 2; minus strand). Cytogenetic location: 17q25.1.
Variant type: single nucleotide variant.
Coding change: c.921-15C>T on transcript NM_001005498.4 (MANE Select); 15 bases into the intron before coding-DNA position 921, C replaced by T.
Molecular consequence: intron variant.
Genome position (GRCh38, 1-based): chr17:76,477,039, G>A on the plus strand (C>T on the coding strand, the complement: RHBDF2 is on the minus strand). VCF-style: chr17-76477039-G-A. GRCh37 (hg19) VCF-style: chr17-74473121-G-A.
Other names: c.1008-15C>T (NM_024599.5); c.921-15C>T (NM_001376230.1, NM_001376228.1, NM_001376229.1).
Identifiers: ClinVar variation 325447 (VCV000325447.7), dbSNP rs375068386, ClinGen allele CA8787175.
Genomic context (GRCh38, chr17:76,477,039, plus strand): 5'-CTTGCCGCGCCGGGGCCCGGGGACTGGGGCTCGGCCATACTCCTTCCTGGTGGGGATGGT[G>A]GCTTTCAGCCTGAATCCCCCACCAAAATACTCCCAGACCCCACCAGGGTGCTCAGAAGGG-3'

ClinVar aggregate classification (germline): Benign/Likely benign. Review status: criteria provided, multiple submitters, no conflicts (2 of 4 stars). 2 submissions from 2 submitters: Benign (1); Likely benign (1). Last evaluated 2025-07-15.

Conditions:
Palmoplantar keratoderma-esophageal carcinoma syndrome (TOC). Also called: Tylosis with Esophageal Cancer; PALMOPLANTAR KERATODERMA WITH ESOPHAGEAL CANCER; KERATOSIS PALMARIS ET PLANTARIS WITH ESOPHAGEAL CANCER. Identifiers: Orphanet 2198, MedGen C1835664, MONDO:0007856, OMIM 148500.

Allele frequency attached by ClinVar (database versions not stated): gnomAD exomes 0.00008 and 0.00018; ExAC 0.00011; gnomAD 0.00011 and 0.00012; TOPMed 0.00011; ESP Exome Variant Server 0.00015.
gnomAD v4.1: 292 of 1,612,536 alleles (0.018%); highest among the groups gnomAD compares: Non-Finnish European, 0.022%; no homozygotes.

Submissions (2):

Labcorp Genetics (formerly Invitae), Labcorp
Classification: Likely benign. Last evaluated: 2025-07-15. Review status: criteria provided, single submitter. Criteria: Invitae Variant Classification Sherloc (09022015). Collection method: clinical testing. Allele origin: germline.

Illumina Laboratory Services, Illumina
Classification: Benign for Palmoplantar keratoderma-esophageal carcinoma syndrome. Last evaluated: 2018-01-12. Review status: criteria provided, single submitter. Criteria: ICSL Variant Classification Criteria 13 December 2019. Collection method: clinical testing. Allele origin: germline.
Comment: This variant was observed in the ICSL laboratory as part of a predisposition screen in an ostensibly healthy population. It had not been previously curated by ICSL or reported in the Human Gene Mutation Database (HGMD: prior to June 1st, 2018), and was therefore a candidate for classification through an automated scoring system. Utilizing variant allele frequency, disease prevalence and penetrance estimates, and inheritance mode, an automated score was calculated to assess if this variant is too frequent to cause the disease. Based on the score and internal cut-off values, a variant classified as benign is not then subjected to further curation. The score for this variant resulted in a classification of benign for this disease.